The following is an entry in ClinVar:

ClinVar aggregate classification (germline): Likely benign (1 of 4 stars; one submission).

Submission:

Molecular Diagnostic Laboratory for Inherited Cardiovascular Disease, Montreal Heart Institute
Classification: Likely benign. Last evaluated: 2026-03-27. Review status: criteria provided, single submitter. Criteria: ACMG Guidelines, 2015. Collection method: clinical testing. Allele origin: germline. Affected: no.
Comment: BP1

NM_001267550.2(TTN):c.39397A>C (p.Lys13133Gln)

Gene: TTN (titin; minus strand). Cytogenetic location: 2q31.2.
Variant type: single nucleotide variant.
Coding change: c.39397A>C on transcript NM_001267550.2 (MANE Select); coding-DNA position 39397, A replaced by C.
Protein change: p.Lys13133Gln; replaces lysine 13133 with glutamine.
Molecular consequence: missense variant. On other transcripts: intron variant (3).
Genome position (GRCh38, 1-based): chr2:178,651,732, T>G on the plus strand (A>C on the coding strand, the complement: TTN is on the minus strand). VCF-style: chr2-178651732-T-G. GRCh37 (hg19) VCF-style: chr2-179516459-T-G.
Other names: c.13283-9415A>C (NM_003319.4); c.13859-9415A>C (NM_133437.4); c.13658-9415A>C (NM_133432.3); c.34876A>C, p.Lys11626Gln (NM_001256850.1); c.32095A>C, p.Lys10699Gln (NM_133378.4); short protein forms K10699Q, K11626Q, K13133Q.
Identifiers: ClinVar variation 4820476 (VCV004820476.1).